The following is an entry in ClinVar:

ClinVar aggregate classification (germline): Likely benign (0 of 4 stars; one submission).

Conditions:
HPSE2-related disorder. Also called: HPSE2-related condition.

gnomAD v4.1: 1 of 1,613,668 alleles (0.000062%); highest among the groups gnomAD compares: African/African-American, 0.0013%; no homozygotes.

Submission:

PreventionGenetics, part of Exact Sciences
Classification: Likely benign for HPSE2-related condition. Last evaluated: 2021-10-04. Review status: no assertion criteria provided. Collection method: clinical testing. Allele origin: germline.
Comment: This variant is classified as likely benign based on ACMG/AMP sequence variant interpretation guidelines (Richards et al. 2015 PMID: 25741868, with internal and published modifications).

NM_021828.5(HPSE2):c.1026G>A (p.Val342=)

Gene: HPSE2 (heparanase 2 (inactive); minus strand). Cytogenetic location: 10q24.2.
Variant type: single nucleotide variant.
Coding change: c.1026G>A on transcript NM_021828.5 (MANE Select); coding-DNA position 1026, G replaced by A.
Protein change: p.Val342=; no amino-acid change (valine 342 retained).
Molecular consequence: synonymous variant.
Genome position (GRCh38, 1-based): chr10:98,641,919, C>T on the plus strand (G>A on the coding strand, the complement: HPSE2 is on the minus strand). VCF-style: chr10-98641919-C-T. GRCh37 (hg19) VCF-style: chr10-100401676-C-T.
Other names: c.852G>A, p.Val284= (NM_001166244.1); c.690G>A, p.Val230= (NM_001166245.1); c.1026G>A, p.Val342= (NM_001166246.1).
Identifiers: ClinVar variation 3029120 (VCV003029120.2), dbSNP rs2539823264, ClinGen allele CA471207756.